The following is an entry in ClinVar:

ClinVar aggregate classification (germline): Pathogenic. Review status: reviewed by expert panel (3 of 4 stars). 15 submissions from 15 submitters: Pathogenic (1). 14 of the submissions do not count toward it. Last evaluated 2016-09-08.

Conditions:
Familial cancer of breast. Also called: BREAST CANCER, FAMILIAL; Hereditary breast cancer; hereditary breast carcinoma. Identifiers: Orphanet 227535, MedGen C0346153, MONDO:0016419, OMIM 114480. Disease mechanism: loss of function.
Hereditary breast ovarian cancer syndrome. Also called: Hereditary breast and ovarian cancer syndrome; Hereditary breast and ovarian cancer; Hereditary breast and ovarian cancer syndrome (HBOC); Breast and ovarian cancer; Hereditary breast and/or ovarian cancer syndrome; BRCA1- and BRCA2-Associated Hereditary Breast and Ovarian Cancer. Identifiers: Orphanet 145, MedGen C0677776, MeSH D061325, MONDO:0003582. Disease mechanism: loss of function.
Breast-ovarian cancer, familial, susceptibility to, 2 (BROVCA2). Also called: BRCA2 Hereditary Breast and Ovarian Cancer. Identifiers: Orphanet 145, MedGen C2675520, MONDO:0012933, OMIM 612555. Disease mechanism: loss of function.
BRCA2-related cancer predisposition. Identifiers: MedGen CN377758, MONDO:0700269.
Hereditary cancer-predisposing syndrome. Also called: Neoplastic Syndromes, Hereditary; Tumor predisposition; Hereditary Cancer Syndrome; Hereditary neoplastic syndrome. Identifiers: Orphanet 140162, MedGen C0027672, MeSH D009386, MONDO:0015356.

Submissions 1 to 9 of 15:

Evidence-based Network for the Interpretation of Germline Mutant Alleles (ENIGMA)
Classification: Pathogenic for Breast-ovarian cancer, familial, susceptibility to, 2. Last evaluated: 2016-09-08. Review status: reviewed by expert panel. Criteria: ENIGMA BRCA1/2 Classification Criteria (2015). Collection method: curation. Allele origin: germline.
Comment: Variant allele predicted to encode a truncated non-functional protein.

Labcorp Genetics (formerly Invitae), Labcorp
Classification: Pathogenic for Hereditary breast ovarian cancer syndrome. Last evaluated: 2026-01-19. Review status: criteria provided, single submitter. Criteria: Invitae Variant Classification Sherloc (09022015). Collection method: clinical testing. Allele origin: germline. Not counted in ClinVar's aggregate classification.
Comment: This sequence change creates a premature translational stop signal (p.Asn588Serfs*25) in the BRCA2 gene. It is expected to result in an absent or disrupted protein product. Loss-of-function variants in BRCA2 are known to be pathogenic (PMID: 20104584). This variant is not present in population databases (gnomAD no frequency). This premature translational stop signal has been observed in individual(s) with breast and ovarian cancer (PMID: 12942367, 20960228, 25415331). This variant is also known as 1991delATAA, and 1991del4. ClinVar contains an entry for this variant (Variation ID: 51187). For these reasons, this variant has been classified as Pathogenic.

Ambry Genetics
Classification: Pathogenic for Hereditary cancer-predisposing syndrome. Last evaluated: 2025-04-17. Review status: criteria provided, single submitter. Criteria: Ambry Variant Classification Scheme 2023. Collection method: clinical testing. Allele origin: germline. Not counted in ClinVar's aggregate classification.
Comment: The c.1763_1766delATAA pathogenic mutation, located in coding exon 9 of the BRCA2 gene, results from a deletion of 4 nucleotides at nucleotide positions 1763 to 1766, causing a translational frameshift with a predicted alternate stop codon (p.N588Sfs*25). This mutation has been detected in multiple hereditary breast and ovarian cancer (HBOC) families (Kanaan Y et al. Hum Genet. 2003 Oct;113(5):452-60; Dobrii J et al. J Hum Genet. 2013 Aug;58(8):501-7; Laitman Y et al. Breast Cancer Res Treat. 2011 Jun;127(2):489-95; Tea M et al Maturitas. 2014 Jan;77(1):68-72; Bolognesi C et al. PLoS One, 2014 Nov;9:e112354; Donenberg T et al. Breast Cancer Res Treat, 2016 08;159:131-8; Torres D et al. Sci Rep. 2017 Jul;7:4713; Yang XR et al. Breast Cancer Res. Treat. 2017 Oct;165:687-697; Ow SGW et al. PLoS One, 2019 Mar;14:e0213746; Tsaousis GN et al. BMC Cancer, 2019 Jun;19:535; Dorling et al. N Engl J Med. 2021 02;384:428-439). This variant is considered to be rare based on population cohorts in the Genome Aggregation Database (gnomAD). Of note, this alteration is also designated as 1991delATAA in published literature. In addition to the clinical data presented in the literature, this alteration is expected to result in loss of function by premature protein truncation or nonsense-mediated mRNA decay. As such, this alteration is interpreted as a disease-causing mutation.

Quest Diagnostics Nichols Institute San Juan Capistrano
Classification: Pathogenic. Last evaluated: 2024-08-31. Review status: criteria provided, single submitter. Criteria: Quest Diagnostics criteria. Collection method: clinical testing. Allele origin: unknown. Not counted in ClinVar's aggregate classification.
Comment: The BRCA2 c.1763_1766del (p.Asn588Serfs*25) variant alters the translational reading frame of the BRCA2 mRNA and causes the premature termination of BRCA2 protein synthesis. This variant has been reported in the published literature in individuals with breast and/or ovarian cancer (PMIDs: 36605468 (2023), 35641219 (2022), 33646313 (2021), 28680148 (2017), 28664506 (2017), 27469594 (2016), 25415331 (2014), 24156927 (2014), 23635950 (2013), 20960228 (2011), 12942367 (2003)). This variant has not been reported in large, multi-ethnic general populations (Genome Aggregation Database). Based on the available information, this variant is classified as pathogenic.

GeneDx
Classification: Pathogenic. Last evaluated: 2023-08-09. Review status: criteria provided, single submitter. Criteria: GeneDx Variant Classification Process June 2021. Collection method: clinical testing. Allele origin: germline. Affected: yes. Not counted in ClinVar's aggregate classification.
Comment: Frameshift variant predicted to result in protein truncation or nonsense mediated decay in a gene for which loss of function is a known mechanism of disease; Observed in individuals with a personal and/or family history consistent with pathogenic variants in this gene (Kanaan et al., 2003; Laitman et al., 2011; Donenberg et al., 2016; Torres et al., 2017; Yang et al., 2017); Not observed at significant frequency in large population cohorts (gnomAD); Truncating variants in this gene are considered pathogenic by a well-established clinical consortium and/or database; Also known as 1991del4 and 1991_1994del; This variant is associated with the following publications: (PMID: 20960228, 24156927, 27469594, 12942367, 23635950, 28664506, 28918466, 28680148, 28828701, 31159747, 31921681, 33646313, 30875412, 30787465, 33632156, 30541753, 25415331)

Women's Health and Genetics/Laboratory Corporation of America, LabCorp
Classification: Pathogenic for Hereditary breast ovarian cancer syndrome. Last evaluated: 2022-06-06. Review status: criteria provided, single submitter. Criteria: LabCorp Variant Classification Summary - May 2015. Collection method: clinical testing. Allele origin: germline. Not counted in ClinVar's aggregate classification.
Comment: Variant summary: BRCA2 c.1763_1766delATAA (p.Asn588SerfsX25) results in a 4 nucleotides deletion from exon 10, causing a frameshift which results in a premature termination codon. This is predicted to cause a truncation of the encoded protein or absence of the protein due to nonsense mediated decay, which are commonly known mechanisms for disease. Truncations downstream of this position have been classified as pathogenic by our laboratory. The variant was absent in 251676 control chromosomes (gnomAD). The variant, c.1763_1766delATAA, has been reported in the literature in many individuals and several families affected with Hereditary Breast And Ovarian Cancer Syndrome (example Laitman_2011, Dobricic_2013, Tea_2014, Torres_2017, Yang_2017, George_2021, Figlioli_2021). These data indicate that the variant is very likely to be associated with disease. Ten submissions have been made to ClinVar after 2014 assessing the variant and all classified it as pathogenic. Based on the evidence outlined above, the variant was classified as pathogenic.

Color Diagnostics, LLC DBA Color Health
Classification: Pathogenic for Hereditary cancer-predisposing syndrome. Last evaluated: 2020-01-15. Review status: criteria provided, single submitter. Criteria: ACMG Guidelines, 2015. Collection method: clinical testing. Allele origin: germline. Not counted in ClinVar's aggregate classification.
Comment: This variant deletes 4 nucleotides in exon 10 of the BRCA2 gene, creating a frameshift and premature translation stop signal. This variant is expected to result in an absent or non-functional protein product. This variant has not been identified in the general population by the Genome Aggregation Database (gnomAD). Loss of BRCA2 function is a known mechanism of disease. Based on the available evidence, this variant is classified as Pathogenic.

GeneKor MSA
Classification: Pathogenic for Hereditary Breast Carcinoma. Last evaluated: 2020-01-01. Review status: criteria provided, single submitter. Criteria: ACMG Guidelines, 2015. Collection method: clinical testing. Allele origin: germline. Affected: yes. Not counted in ClinVar's aggregate classification.
Comment: This variant is a 4 bp deletion at amino acid residue 588 of the BRCA2 gene. It results in a frame-shift creating an unrecognizable protein after amino acid 588 and a new stop codon 25 amino acid residues later, thus resulting in a truncated protein.

Department of Pathology and Laboratory Medicine, Sinai Health System
Classification: Pathogenic for BRCA2-related cancer predisposition. Last evaluated: 2019-11-26. Review status: criteria provided, single submitter. Criteria: ACMG Guidelines, 2015. Collection method: clinical testing. Allele origin: germline. Affected: yes. Not counted in ClinVar's aggregate classification.

NM_000059.4(BRCA2):c.1763_1766del (p.Asn588fs)

Gene: BRCA2 (BRCA2 DNA repair associated; plus strand). Cytogenetic location: 13q13.1.
Variant type: Deletion.
Coding change: c.1763_1766del on transcript NM_000059.4 (MANE Select); coding-DNA positions 1763 to 1766, 4 bases deleted (ATAA; older notation c.1763_1766delATAA).
Protein change: p.Asn588fs; shifts the reading frame from asparagine 588.
Molecular consequence: frameshift variant.
Genome position (GRCh38, 1-based): chr13:32,333,241-32,333,244, ATAA deleted; deleting any 4 consecutive bases within chr13:32,333,239-32,333,244 gives the same sequence; the c. name uses the placement nearest the transcript's 3' end. VCF-style (leftmost placement, unchanged base first): chr13-32333238-CAAAT-C. GRCh37 (hg19) VCF-style: chr13-32907375-CAAAT-C.
Other names: 1991del4; c.1763_1766delATAA (NM_000059.3).
Identifiers: ClinVar variation 51187 (VCV000051187.40), dbSNP rs80359303, ClinGen allele CA013129.
Genomic context (GRCh38, chr13:32,333,238, plus strand): 5'-CCACACAGAATTCTGTAGCTTTGAAGAATGCAGGTTTAATATCCACTTTGAAAAAGAAAA[CAAAT>C]AAGTTTATTTATGCTATACATGATGAAACATCTTATAAAGGAAAAAAAATACCGAAAGAC-3'